The following is an entry in ClinVar:

NM_182493.3(MYLK3):c.2339C>G (p.Ser780Cys)

Gene: MYLK3 (myosin light chain kinase 3; minus strand). Cytogenetic location: 16q11.2.
Variant type: single nucleotide variant.
Coding change: c.2339C>G on transcript NM_182493.3 (MANE Select); coding-DNA position 2339, C replaced by G.
Protein change: p.Ser780Cys; replaces serine 780 with cysteine.
Molecular consequence: missense variant.
Genome position (GRCh38, 1-based): chr16:46,709,600, G>C on the plus strand (C>G on the coding strand, the complement: MYLK3 is on the minus strand). VCF-style: chr16-46709600-G-C. GRCh37 (hg19) VCF-style: chr16-46743512-G-C.
Other names: c.1316C>G, p.Ser439Cys (NM_001308301.1); short protein forms S780C, S439C.
Identifiers: ClinVar variation 4740455 (VCV004740455.1).

ClinVar aggregate classification (germline): Uncertain significance (1 of 4 stars; one submission).

gnomAD v4.1: 7 of 1,614,018 alleles (0.00043%); highest among the groups gnomAD compares: Admixed American, 0.0017%; no homozygotes.

Submission:

Labcorp Genetics (formerly Invitae), Labcorp
Classification: Uncertain significance. Last evaluated: 2025-07-23. Review status: criteria provided, single submitter. Criteria: Invitae Variant Classification Sherloc (09022015). Collection method: clinical testing. Allele origin: germline.
Comment: This sequence change replaces serine, which is neutral and polar, with cysteine, which is neutral and slightly polar, at codon 780 of the MYLK3 protein (p.Ser780Cys). This variant is present in population databases (rs368163588, gnomAD 0.002%). This variant has not been reported in the literature in individuals affected with MYLK3-related conditions. An algorithm developed to predict the effect of missense changes on protein structure and function (PolyPhen-2) suggests that this variant is likely to be tolerated. In summary, the available evidence is currently insufficient to determine the role of this variant in disease. Therefore, it has been classified as a Variant of Uncertain Significance.